The following is an entry in ClinVar:

NM_000282.4(PCCA):c.763G>A (p.Asp255Asn)

Gene: PCCA (propionyl-CoA carboxylase subunit alpha; plus strand). Cytogenetic location: 13q32.3.
Variant type: single nucleotide variant.
Coding change: c.763G>A on transcript NM_000282.4 (MANE Select); coding-DNA position 763, G replaced by A.
Protein change: p.Asp255Asn; replaces aspartic acid 255 with asparagine.
Molecular consequence: missense variant. On other transcripts: 5 prime UTR variant (3), non-coding transcript variant (5).
Genome position (GRCh38, 1-based): chr13:100,262,775, G>A. VCF-style: chr13-100262775-G-A. GRCh37 (hg19) VCF-style: chr13-100915029-G-A.
Other names: c.685G>A, p.Asp229Asn (NM_001127692.3, NM_001352607.2, NM_001352608.2); c.763G>A, p.Asp255Asn (NM_001178004.2, NM_001352605.2, NM_001352606.2 and 1 more transcripts); c.-183G>A (NM_001352610.2, NM_001352611.2, NM_001352612.2); short protein forms D229N, D255N.
Identifiers: ClinVar variation 2173282 (VCV002173282.1), dbSNP rs777504794, ClinGen allele CA7033374.

ClinVar aggregate classification (germline): Uncertain significance (1 of 4 stars; one submission).

Conditions:
Propionic acidemia (PROP). Also called: GLYCINEMIA, KETOTIC; HYPERGLYCINEMIA WITH KETOACIDOSIS AND LEUKOPENIA; KETOTIC HYPERGLYCINEMIA. Identifiers: Orphanet 35, MedGen C0268579, MONDO:0011628, OMIM 606054, HP:0003571.

Allele frequency attached by ClinVar (database versions not stated): ExAC 0.00004; gnomAD 0.00001; TOPMed 0.00001.
gnomAD v4.1: 14 of 1,593,436 alleles (0.00088%); highest among the groups gnomAD compares: East Asian, 0.009%; no homozygotes.

Submission:

Labcorp Genetics (formerly Invitae), Labcorp
Classification: Uncertain significance for Propionic acidemia. Last evaluated: 2022-11-01. Review status: criteria provided, single submitter. Criteria: Invitae Variant Classification Sherloc (09022015). Collection method: clinical testing. Allele origin: germline.
Comment: This sequence change replaces aspartic acid, which is acidic and polar, with asparagine, which is neutral and polar, at codon 255 of the PCCA protein (p.Asp255Asn). This variant is present in population databases (rs777504794, gnomAD 0.03%). This variant has not been reported in the literature in individuals affected with PCCA-related conditions. Advanced modeling of protein sequence and biophysical properties (such as structural, functional, and spatial information, amino acid conservation, physicochemical variation, residue mobility, and thermodynamic stability) has been performed at Invitae for this missense variant, however the output from this modeling did not meet the statistical confidence thresholds required to predict the impact of this variant on PCCA protein function. Studies have shown that this missense change does not affect mRNA splicing (PMID: 33923806). In summary, the available evidence is currently insufficient to determine the role of this variant in disease. Therefore, it has been classified as a Variant of Uncertain Significance.

Literature cited by the submitters: PubMed 33923806.